The following is an entry in ClinVar:

NM_001854.4(COL11A1):c.4006G>A (p.Gly1336Ser)

Gene: COL11A1 (collagen type XI alpha 1 chain; minus strand). Cytogenetic location: 1p21.1.
Variant type: single nucleotide variant.
Coding change: c.4006G>A on transcript NM_001854.4 (MANE Select); coding-DNA position 4006, G replaced by A.
Protein change: p.Gly1336Ser; replaces glycine 1336 with serine.
Molecular consequence: missense variant. On other transcripts: non-coding transcript variant (1).
Genome position (GRCh38, 1-based): chr1:102,913,663, C>T on the plus strand (G>A on the coding strand, the complement: COL11A1 is on the minus strand). VCF-style: chr1-102913663-C-T. GRCh37 (hg19) VCF-style: chr1-103379219-C-T.
Other names: c.3889G>A, p.Gly1297Ser (NM_001190709.2); c.4042G>A, p.Gly1348Ser (NM_080629.3); c.3658G>A, p.Gly1220Ser (NM_080630.4); short protein forms G1348S, G1220S, G1297S, G1336S.
Identifiers: ClinVar variation 4760593 (VCV004760593.1).

ClinVar aggregate classification (germline): Uncertain significance (1 of 4 stars; one submission).

Submission:

Labcorp Genetics (formerly Invitae), Labcorp
Classification: Uncertain significance. Last evaluated: 2025-12-15. Review status: criteria provided, single submitter. Criteria: Invitae Variant Classification Sherloc (09022015). Collection method: clinical testing. Allele origin: germline.
Comment: This sequence change replaces glycine, which is neutral and non-polar, with serine, which is neutral and polar, at codon 1336 of the COL11A1 protein (p.Gly1336Ser). This variant is not present in population databases (gnomAD no frequency). This variant has not been reported in the literature in individuals affected with COL11A1-related conditions. Invitae Evidence Modeling of protein sequence and biophysical properties (such as structural, functional, and spatial information, amino acid conservation, physicochemical variation, residue mobility, and thermodynamic stability) indicates that this missense variant is expected to disrupt COL11A1 protein function with a positive predictive value of 80%. In summary, the available evidence is currently insufficient to determine the role of this variant in disease. Therefore, it has been classified as a Variant of Uncertain Significance.